The following is an entry in ClinVar:

ClinVar aggregate classification (germline): Uncertain significance (1 of 4 stars; one submission).

Submission:

Labcorp Genetics (formerly Invitae), Labcorp
Classification: Uncertain significance. Last evaluated: 2023-11-27. Review status: criteria provided, single submitter. Criteria: Invitae Variant Classification Sherloc (09022015). Collection method: clinical testing. Allele origin: germline.
Comment: This variant, c.203_205del, is a complex sequence change that results in the deletion of 2 and insertion of 1 amino acid(s) in the YARS2 protein (p.Gly68_Thr69delinsAla). This variant is not present in population databases (gnomAD no frequency). This variant has not been reported in the literature in individuals affected with YARS2-related conditions. Experimental studies and prediction algorithms are not available or were not evaluated, and the functional significance of this variant is currently unknown. In summary, the available evidence is currently insufficient to determine the role of this variant in disease. Therefore, it has been classified as a Variant of Uncertain Significance.

NM_001040436.3(YARS2):c.203_205del (p.Gly68_Thr69delinsAla)

Gene: YARS2 (tyrosyl-tRNA synthetase 2; minus strand). Cytogenetic location: 12p11.21.
Variant type: Deletion.
Coding change: c.203_205del on transcript NM_001040436.3 (MANE Select); coding-DNA positions 203 to 205, 3 bases deleted (GCA; older notation c.203_205delGCA).
Protein change: p.Gly68_Thr69delinsAla.
Molecular consequence: inframe indel.
Genome position (GRCh38, 1-based): chr12:32,755,670-32,755,672, TGC deleted on the plus strand (GCA on the coding strand, the reverse complement: YARS2 is on the minus strand). VCF-style (leftmost placement, unchanged base first): chr12-32755669-GTGC-G. GRCh37 (hg19) VCF-style: chr12-32908603-GTGC-G.
Identifiers: ClinVar variation 2751468 (VCV002751468.3), dbSNP rs2541164617, ClinGen allele CA2697559164.